The following is an entry in ClinVar:

ClinVar aggregate classification (germline): Uncertain significance (1 of 4 stars; one submission).

Conditions:
Inborn genetic diseases. Identifiers: MedGen C0950123, MeSH D030342.

gnomAD v4.1: 3 of 1,613,412 alleles (0.00019%); highest among the groups gnomAD compares: East Asian, 0.0022%; no homozygotes.

Submission:

Ambry Genetics
Classification: Uncertain significance for Inborn genetic diseases. Last evaluated: 2025-01-14. Review status: criteria provided, single submitter. Criteria: Ambry Variant Classification Scheme 2023. Collection method: clinical testing. Allele origin: germline.
Comment: The p.S509G variant (also known as c.1525A>G), located in coding exon 12 of the ASXL1 gene, results from an A to G substitution at nucleotide position 1525. The serine at codon 509 is replaced by glycine, an amino acid with similar properties. This amino acid position is conserved. In addition, this alteration is predicted to be tolerated by in silico analysis. Based on the available evidence, the clinical significance of this variant remains unclear.

NM_015338.6(ASXL1):c.1525A>G (p.Ser509Gly)

Gene: ASXL1 (ASXL transcriptional regulator 1; plus strand). Cytogenetic location: 20q11.21.
Variant type: single nucleotide variant.
Coding change: c.1525A>G on transcript NM_015338.6 (MANE Select); coding-DNA position 1525, A replaced by G.
Protein change: p.Ser509Gly; replaces serine 509 with glycine.
Molecular consequence: missense variant.
Genome position (GRCh38, 1-based): chr20:32,433,723, A>G. VCF-style: chr20-32433723-A-G. GRCh37 (hg19) VCF-style: chr20-31021526-A-G.
Other names: c.1342A>G, p.Ser448Gly (NM_001363734.1); short protein forms S448G, S509G.
Identifiers: ClinVar variation 3792271 (VCV003792271.1).